The following is an entry in ClinVar:

NM_015512.5(DNAH1):c.12228T>A (p.Ser4076Arg)

Gene: DNAH1 (dynein axonemal heavy chain 1; plus strand). Cytogenetic location: 3p21.1.
Variant type: single nucleotide variant.
Coding change: c.12228T>A on transcript NM_015512.5 (MANE Select); coding-DNA position 12228, T replaced by A.
Protein change: p.Ser4076Arg; replaces serine 4076 with arginine.
Molecular consequence: missense variant.
Genome position (GRCh38, 1-based): chr3:52,398,988, T>A. VCF-style: chr3-52398988-T-A. GRCh37 (hg19) VCF-style: chr3-52433004-T-A.
Other names: short protein forms S4076R.
Identifiers: ClinVar variation 639629 (VCV000639629.6), dbSNP rs754282864, ClinGen allele CA2436436.

ClinVar aggregate classification (germline): Uncertain significance (1 of 4 stars; one submission).

Conditions:
Spermatogenic failure 18. Identifiers: MedGen C4539783, MONDO:0054615, OMIM 617576.
Ciliary dyskinesia, primary, 37 (CILD37). Also called: CILIARY DYSKINESIA, PRIMARY, 37, WITH OR WITHOUT SITUS INVERSUS. Identifiers: MedGen C4539798, MONDO:0033204, OMIM 617577.

Allele frequency attached by ClinVar (database versions not stated): gnomAD exomes below 0.00001 and 0.00001; ExAC 0.00001.
gnomAD v4.1: 2 of 1,613,826 alleles (0.00012%); highest among the groups gnomAD compares: Admixed American, 0.0033%; no homozygotes.

Submission:

Labcorp Genetics (formerly Invitae), Labcorp
Classification: Uncertain significance for Ciliary dyskinesia, primary, 37; Spermatogenic failure 18. Last evaluated: 2022-02-08. Review status: criteria provided, single submitter. Criteria: Invitae Variant Classification Sherloc (09022015). Collection method: clinical testing. Allele origin: germline.
Comment: This sequence change replaces serine, which is neutral and polar, with arginine, which is basic and polar, at codon 4076 of the DNAH1 protein (p.Ser4076Arg). In summary, the available evidence is currently insufficient to determine the role of this variant in disease. Therefore, it has been classified as a Variant of Uncertain Significance. Algorithms developed to predict the effect of missense changes on protein structure and function (SIFT, PolyPhen-2, Align-GVGD) all suggest that this variant is likely to be tolerated. ClinVar contains an entry for this variant (Variation ID: 639629). This variant has not been reported in the literature in individuals affected with DNAH1-related conditions. This variant is present in population databases (rs754282864, gnomAD 0.006%).